The following is an entry in ClinVar:

NM_007194.4(CHEK2):c.750del (p.Ile251fs)

Gene: CHEK2 (checkpoint kinase 2; minus strand). Cytogenetic location: 22q12.1.
Variant type: Deletion.
Coding change: c.750del on transcript NM_007194.4 (MANE Select); coding-DNA position 750, one base deleted (C; older notation c.750delC).
Protein change: p.Ile251fs; shifts the reading frame from isoleucine 251.
Molecular consequence: frameshift variant.
Genome position (GRCh38, 1-based): chr22:28,711,951, G deleted on the plus strand (C on the coding strand, the reverse complement: CHEK2 is on the minus strand). VCF-style (leftmost placement, unchanged base first): chr22-28711950-TG-T. GRCh37 (hg19) VCF-style: chr22-29107938-TG-T.
Other names: c.879delC, p.Ile294Serfs (NM_001005735.3); c.87delC, p.Ile30Serfs (NM_001257387.3); c.549delC, p.Ile184Serfs (NM_001349956.3); c.750delC, p.Ile251Serfs (NM_145862.3); short protein forms I184fs, I251fs, I294fs, I30fs.
Identifiers: ClinVar variation 1075866 (VCV001075866.9), dbSNP rs2145950251, ClinGen allele CA2499226081.

ClinVar aggregate classification (germline): Pathogenic. Review status: criteria provided, multiple submitters, no conflicts (2 of 4 stars). 2 submissions from 2 submitters: Pathogenic (2). Last evaluated 2025-04-17.

Conditions:
Hereditary cancer-predisposing syndrome. Also called: Tumor predisposition; Hereditary neoplastic syndrome; Neoplastic Syndromes, Hereditary; Hereditary Cancer Syndrome. Identifiers: Orphanet 140162, MedGen C0027672, MeSH D009386, MONDO:0015356.
Familial cancer of breast. Also called: hereditary breast carcinoma; Hereditary breast cancer; BREAST CANCER, FAMILIAL. Identifiers: Orphanet 227535, MedGen C0346153, MONDO:0016419, OMIM 114480. Disease mechanism: loss of function.

Submissions (2):

Ambry Genetics
Classification: Pathogenic for Hereditary cancer-predisposing syndrome. Last evaluated: 2025-04-17. Review status: criteria provided, single submitter. Criteria: Ambry Variant Classification Scheme 2023. Collection method: clinical testing. Allele origin: germline.
Comment: The c.750delC pathogenic mutation, located in coding exon 5 of the CHEK2 gene, results from a deletion of one nucleotide at nucleotide position 750, causing a translational frameshift with a predicted alternate stop codon (p.I251Sfs*24). This variant is considered to be rare based on population cohorts in the Genome Aggregation Database (gnomAD). This alteration is expected to result in loss of function by premature protein truncation or nonsense-mediated mRNA decay. As such, this alteration is interpreted as a disease-causing mutation.

Labcorp Genetics (formerly Invitae), Labcorp
Classification: Pathogenic for Familial cancer of breast. Last evaluated: 2024-05-29. Review status: criteria provided, single submitter. Criteria: Invitae Variant Classification Sherloc (09022015). Collection method: clinical testing. Allele origin: germline.
Comment: This sequence change creates a premature translational stop signal (p.Ile251Serfs*24) in the CHEK2 gene. It is expected to result in an absent or disrupted protein product. Loss-of-function variants in CHEK2 are known to be pathogenic (PMID: 21876083, 24713400). This variant is not present in population databases (gnomAD no frequency). This variant has not been reported in the literature in individuals affected with CHEK2-related conditions. ClinVar contains an entry for this variant (Variation ID: 1075866). For these reasons, this variant has been classified as Pathogenic.

Literature cited by the submitters: PubMed 21876083 (cited by Labcorp Genetics (formerly Invitae), Labcorp); PubMed 24713400 (cited by Labcorp Genetics (formerly Invitae), Labcorp).